The following is an entry in ClinVar:

ClinVar aggregate classification (germline): Uncertain significance (1 of 4 stars; one submission).

Conditions:
Hereditary cancer-predisposing syndrome. Also called: Neoplastic Syndromes, Hereditary; Tumor predisposition; Hereditary Cancer Syndrome; Hereditary neoplastic syndrome. Identifiers: Orphanet 140162, MedGen C0027672, MeSH D009386, MONDO:0015356.

Submission:

Ambry Genetics
Classification: Uncertain significance for Hereditary cancer-predisposing syndrome. Last evaluated: 2024-06-04. Review status: criteria provided, single submitter. Criteria: Ambry Variant Classification Scheme 2023. Collection method: clinical testing. Allele origin: germline.
Comment: The p.A271V variant (also known as c.812C>T), located in coding exon 7 of the SUFU gene, results from a C to T substitution at nucleotide position 812. The alanine at codon 271 is replaced by valine, an amino acid with similar properties. This amino acid position is highly conserved in available vertebrate species. In addition, this alteration is predicted to be deleterious by in silico analysis. Based on the available evidence, the clinical significance of this variant remains unclear.

NM_016169.4(SUFU):c.812C>T (p.Ala271Val)

Gene: SUFU (SUFU negative regulator of hedgehog signaling; plus strand). Cytogenetic location: 10q24.32.
Variant type: single nucleotide variant.
Coding change: c.812C>T on transcript NM_016169.4 (MANE Select); coding-DNA position 812, C replaced by T.
Protein change: p.Ala271Val; replaces alanine 271 with valine.
Molecular consequence: missense variant.
Genome position (GRCh38, 1-based): chr10:102,597,195, C>T. VCF-style: chr10-102597195-C-T. GRCh37 (hg19) VCF-style: chr10-104356952-C-T.
Other names: c.812C>T, p.Ala271Val (NM_001178133.2); short protein forms A271V.
Identifiers: ClinVar variation 1762119 (VCV001762119.3), dbSNP rs2545094195, ClinGen allele CA377910442.
Genomic context (GRCh38, chr10:102,597,195, plus strand): 5'-AGCAGGAGAGAGTTGACAAAGGCATCGAGACAGATGGCTCCAACCTGAGTGGTGTCAGTG[C>T]CAAGTGTGCCTGGGATGACCTGAGCCGGCCCCCCGAGGATGACGAGGACAGCCGGAGCAT-3'
Protein context (NP_057253.2, residues 261-281): TDGSNLSGVS[Ala271Val]KCAWDDLSRP